The following is an entry in ClinVar:

NM_004990.4(MARS1):c.1711G>A (p.Ala571Thr)

Gene: MARS1 (methionyl-tRNA synthetase 1; plus strand). Cytogenetic location: 12q13.3.
Variant type: single nucleotide variant.
Coding change: c.1711G>A on transcript NM_004990.4 (MANE Select); coding-DNA position 1711, G replaced by A.
Protein change: p.Ala571Thr; replaces alanine 571 with threonine.
Molecular consequence: missense variant.
Genome position (GRCh38, 1-based): chr12:57,512,311, G>A. VCF-style: chr12-57512311-G-A. GRCh37 (hg19) VCF-style: chr12-57906094-G-A.
Other names: short protein forms A571T.
Identifiers: ClinVar variation 4793186 (VCV004793186.1).

ClinVar aggregate classification (germline): Uncertain significance (1 of 4 stars; one submission).

Conditions:
Severe early-onset pulmonary alveolar proteinosis due to MARS deficiency. Also called: PULMONARY ALVEOLAR PROTEINOSIS, REUNION ISLAND; Interstitial lung and liver disease. Identifiers: Orphanet 440427, MedGen C4225400, MONDO:0014206, OMIM 615486.
Charcot-Marie-Tooth disease axonal type 2U. Also called: CHARCOT-MARIE-TOOTH NEUROPATHY, TYPE 2U; CHARCOT-MARIE-TOOTH DISEASE, AXONAL, AUTOSOMAL DOMINANT, TYPE 2U. Identifiers: Orphanet 397735, MedGen C4084821, MONDO:0014566, OMIM 616280.

Submission:

Labcorp Genetics (formerly Invitae), Labcorp
Classification: Uncertain significance for Charcot-Marie-Tooth disease axonal type 2U; Severe early-onset pulmonary alveolar proteinosis due to MARS deficiency. Last evaluated: 2026-01-18. Review status: criteria provided, single submitter. Criteria: Invitae Variant Classification Sherloc (09022015). Collection method: clinical testing. Allele origin: germline.
Comment: This sequence change replaces alanine, which is neutral and non-polar, with threonine, which is neutral and polar, at codon 571 of the MARS protein (p.Ala571Thr). This variant is not present in population databases (gnomAD no frequency). This variant has not been reported in the literature in individuals affected with MARS-related conditions. An algorithm developed to predict the effect of missense changes on protein structure and function outputs the following: PolyPhen-2: "Benign". The threonine amino acid residue is found in multiple mammalian species, which suggests that this missense change does not adversely affect protein function. In summary, the available evidence is currently insufficient to determine the role of this variant in disease. Therefore, it has been classified as a Variant of Uncertain Significance.